The following is an entry in ClinVar:

ClinVar aggregate classification (germline): Uncertain significance (1 of 4 stars; one submission).

Conditions:
Fanconi anemia (FA). Also called: Fanconi's anemia. Identifiers: Orphanet 84, MedGen C0015625, MeSH D005199, MONDO:0019391.

Submission:

Labcorp Genetics (formerly Invitae), Labcorp
Classification: Uncertain significance for Fanconi anemia. Last evaluated: 2021-08-30. Review status: criteria provided, single submitter. Criteria: Invitae Variant Classification Sherloc (09022015). Collection method: clinical testing. Allele origin: germline.
Comment: This sequence change replaces glutamine with glutamic acid at codon 4 of the FANCG protein (p.Gln4Glu). The glutamine residue is weakly conserved and there is a small physicochemical difference between glutamine and glutamic acid. This variant is not present in population databases (ExAC no frequency). This variant has not been reported in the literature in individuals affected with FANCG-related conditions. Algorithms developed to predict the effect of missense changes on protein structure and function output the following: SIFT: "Tolerated"; PolyPhen-2: "Benign"; Align-GVGD: "Class C0". The glutamic acid amino acid residue is found in multiple mammalian species, which suggests that this missense change does not adversely affect protein function. In summary, the available evidence is currently insufficient to determine the role of this variant in disease. Therefore, it has been classified as a Variant of Uncertain Significance.

NM_004629.2(FANCG):c.10C>G (p.Gln4Glu)

Gene: FANCG (FA complementation group G; minus strand). Cytogenetic location: 9p13.3.
Variant type: single nucleotide variant.
Coding change: c.10C>G on transcript NM_004629.2 (MANE Select); coding-DNA position 10, C replaced by G.
Protein change: p.Gln4Glu; replaces glutamine 4 with glutamic acid.
Molecular consequence: missense variant.
Genome position (GRCh38, 1-based): chr9:35,079,515, G>C on the plus strand (C>G on the coding strand, the complement: FANCG is on the minus strand). VCF-style: chr9-35079515-G-C. GRCh37 (hg19) VCF-style: chr9-35079512-G-C.
Other names: short protein forms Q4E.
Identifiers: ClinVar variation 958270 (VCV000958270.6), dbSNP rs1326382443, ClinGen allele CA373316084.